The following is an entry in ClinVar:

NM_005002.5(NDUFA9):c.795C>T (p.Phe265=)

Gene: NDUFA9 (NADH:ubiquinone oxidoreductase subunit A9; plus strand). Cytogenetic location: 12p13.32.
Variant type: single nucleotide variant.
Coding change: c.795C>T on transcript NM_005002.5 (MANE Select); coding-DNA position 795, C replaced by T.
Protein change: p.Phe265=; no amino-acid change (phenylalanine 265 retained).
Molecular consequence: synonymous variant.
Genome position (GRCh38, 1-based): chr12:4,669,812, C>T. VCF-style: chr12-4669812-C-T. GRCh37 (hg19) VCF-style: chr12-4778978-C-T.
Identifiers: ClinVar variation 381398 (VCV000381398.5), dbSNP rs1057521037, ClinGen allele CA16607290.

ClinVar aggregate classification (germline): Likely benign. Review status: criteria provided, multiple submitters, no conflicts (2 of 4 stars). 2 submissions from 2 submitters: Likely benign (2). Last evaluated 2025-04-02.

Allele frequency attached by ClinVar (database versions not stated): gnomAD exomes 0.00002; TOPMed 0.00003; gnomAD 0.00005.
gnomAD v4.1: 30 of 1,609,426 alleles (0.0019%); highest among the groups gnomAD compares: Admixed American, 0.012%; no homozygotes.

Submissions (2):

Labcorp Genetics (formerly Invitae), Labcorp
Classification: Likely benign. Last evaluated: 2025-04-02. Review status: criteria provided, single submitter. Criteria: Invitae Variant Classification Sherloc (09022015). Collection method: clinical testing. Allele origin: germline.

GeneDx
Classification: Likely benign. Last evaluated: 2015-11-13. Review status: criteria provided, single submitter. Criteria: GeneDx Variant Classification (06012015). Collection method: clinical testing. Allele origin: germline. Affected: yes.
Comment: This variant is considered likely benign or benign based on one or more of the following criteria: it is a conservative change, it occurs at a poorly conserved position in the protein, it is predicted to be benign by multiple in silico algorithms, and/or has population frequency not consistent with disease.